The following is an entry in ClinVar:

ClinVar aggregate classification (germline): Uncertain significance (1 of 4 stars; one submission).

Conditions:
Hereditary spastic paraplegia 63. Also called: Spastic paraplegia 63, autosomal recessive. Identifiers: Orphanet 401805, MedGen C3810295, MONDO:0014305, OMIM 615686.
Pontocerebellar hypoplasia type 9. Identifiers: Orphanet 369920, MedGen C4014354, MONDO:0014351, OMIM 615809.

Allele frequency attached by ClinVar (database versions not stated): gnomAD exomes below 0.00001; TOPMed 0.00001.
gnomAD v4.1: 4 of 1,613,724 alleles (0.00025%); highest among the groups gnomAD compares: Non-Finnish European, 0.00034%; no homozygotes.

Submission:

Labcorp Genetics (formerly Invitae), Labcorp
Classification: Uncertain significance for Pontocerebellar hypoplasia type 9; Hereditary spastic paraplegia 63. Last evaluated: 2020-11-25. Review status: criteria provided, single submitter. Criteria: Invitae Variant Classification Sherloc (09022015). Collection method: clinical testing. Allele origin: germline.
Comment: Algorithms developed to predict the effect of missense changes on protein structure and function are either unavailable or do not agree on the potential impact of this missense change (SIFT: "Deleterious"; PolyPhen-2: "Possibly Damaging"; Align-GVGD: "Class C0"). This variant has not been reported in the literature in individuals with AMPD2-related conditions. This variant is not present in population databases (ExAC no frequency). This sequence change replaces glycine with cysteine at codon 103 of the AMPD2 protein (p.Gly103Cys). The glycine residue is moderately conserved and there is a large physicochemical difference between glycine and cysteine. In summary, the available evidence is currently insufficient to determine the role of this variant in disease. Therefore, it has been classified as a Variant of Uncertain Significance.

NM_001368809.2(AMPD2):c.145G>T (p.Gly49Cys)

Gene: AMPD2 (adenosine monophosphate deaminase 2; plus strand). Cytogenetic location: 1p13.3.
Variant type: single nucleotide variant.
Coding change: c.145G>T on transcript NM_001368809.2 (MANE Select); coding-DNA position 145, G replaced by T.
Protein change: p.Gly49Cys; replaces glycine 49 with cysteine.
Molecular consequence: missense variant. On other transcripts: 5 prime UTR variant (1), intron variant (1).
Genome position (GRCh38, 1-based): chr1:109,625,356, G>T. VCF-style: chr1-109625356-G-T. GRCh37 (hg19) VCF-style: chr1-110167978-G-T.
Other names: c.-48G>T (NM_001257361.2); c.145G>T, p.Gly49Cys (NM_004037.9); c.64G>T, p.Gly22Cys (NM_139156.4); c.160-306G>T (NM_001308170.1); short protein forms G49C, G22C.
Identifiers: ClinVar variation 1415623 (VCV001415623.8), dbSNP rs1200977295, ClinGen allele CA341553467.